The following is an entry in ClinVar:

ClinVar aggregate classification (germline): Likely pathogenic (1 of 4 stars; one submission).

Conditions:
Arrhythmogenic cardiomyopathy with wooly hair and keratoderma. Also called: PALMOPLANTAR KERATODERMA WITH LEFT VENTRICULAR CARDIOMYOPATHY AND WOOLLY HAIR; Carvajal syndrome; Dilated cardiomyopathy with woolly hair and keratoderma; Arrhythmogenic cardiomyopathy with woolly hair and keratoderma. Identifiers: Orphanet 65282, MedGen C1854063, MONDO:0011581, OMIM 605676.

Allele frequency attached by ClinVar (database versions not stated): gnomAD exomes below 0.00001.
gnomAD v4.1: 1 of 1,614,046 alleles (0.000062%); highest among the groups gnomAD compares: Non-Finnish European, 0.000085%; no homozygotes.

Submission:

All of Us Research Program, National Institutes of Health
Classification: Likely pathogenic for Arrhythmogenic cardiomyopathy with wooly hair and keratoderma. Last evaluated: 2023-11-20. Review status: criteria provided, single submitter. Criteria: ACMG Guidelines, 2015. Collection method: clinical testing. Allele origin: germline. Inheritance: Autosomal dominant inheritance. Observed: 1 variant allele, 1 heterozygote.
Comment: This variant changes 1 nucleotide in exon 24 of the DSP gene, creating a premature translation stop signal in the last exon. This variant is predicted to escape nonsense-mediated decay and be expressed as a truncated protein. Although functional studies have not been reported, this variant is expected to disrupt the plakin repeat domains A, B, and C. Plakin repeat domains and downstream C-terminal sequence have been reported to be essential for interaction with intermediate filaments (PMID: 12101406, 12802069, 21756917). To our knowledge, this variant has not been reported in individuals affected with cardiovascular disorders in the literature. This variant has not been identified in the general population by the Genome Aggregation Database (gnomAD). Multiple truncation variants occurring downstream of this variant are known to be disease-causing (ClinVar variation ID: 222582, 199903, 263803), suggesting that this is a clinically significant region of the DSP protein. Loss of DSP function is a known mechanism of disease. Based on the available evidence, this variant is classified as Likely Pathogenic.

This study involves interpretation of variants in research participants for the purpose of population health screening. Participant phenotype was not available at the time of variant classification. Additional details can be found in publication PMID: 35346344, PMCID: PMC8962531

Literature cited by the submitters: PubMed 12101406; PubMed 12802069; PubMed 21756917.

NM_004415.4(DSP):c.5665G>T (p.Glu1889Ter)

Gene: DSP (desmoplakin; plus strand). Cytogenetic location: 6p24.3.
Variant type: single nucleotide variant.
Coding change: c.5665G>T on transcript NM_004415.4 (MANE Select); coding-DNA position 5665, G replaced by T.
Protein change: p.Glu1889Ter; replaces glutamic acid 1889 with a stop codon.
Molecular consequence: nonsense.
Genome position (GRCh38, 1-based): chr6:7,582,927, G>T. VCF-style: chr6-7582927-G-T. GRCh37 (hg19) VCF-style: chr6-7583160-G-T.
Other names: c.3868G>T, p.Glu1290Ter (NM_001008844.3); c.4336G>T, p.Glu1446Ter (NM_001319034.2); short protein forms E1290*, E1446*, E1889*.
Identifiers: ClinVar variation 3074463 (VCV003074463.1), dbSNP rs2533936922, ClinGen allele CA362689136.